The following is an entry in ClinVar:

ClinVar aggregate classification (germline): Uncertain significance (1 of 4 stars; one submission).

Allele frequency attached by ClinVar (database versions not stated): gnomAD exomes 0.00001; ESP Exome Variant Server 0.00028; ExAC 0.00003; gnomAD 0.00012; TOPMed 0.00021.

Submission:

Labcorp Genetics (formerly Invitae), Labcorp
Classification: Uncertain significance. Last evaluated: 2025-06-12. Review status: criteria provided, single submitter. Criteria: Invitae Variant Classification Sherloc (09022015). Collection method: clinical testing. Allele origin: germline.
Comment: This sequence change replaces histidine, which is basic and polar, with arginine, which is basic and polar, at codon 333 of the NXF5 protein (p.His333Arg). This variant is present in population databases (rs145904413, gnomAD 0.04%), and has an allele count higher than expected for a pathogenic variant. This variant has not been reported in the literature in individuals affected with NXF5-related conditions. ClinVar contains an entry for this variant (Variation ID: 2895076). An algorithm developed to predict the effect of missense changes on protein structure and function (PolyPhen-2) suggests that this variant is likely to be tolerated. In summary, the available evidence is currently insufficient to determine the role of this variant in disease. Therefore, it has been classified as a Variant of Uncertain Significance.

NC_000023.11:g.101837576T>C

Gene: NXF5 (nuclear RNA export factor 5; minus strand). Cytogenetic location: Xq22.1.
Variant type: single nucleotide variant.
Molecular consequence: non-coding transcript variant (on NR_028089.1).
Genome position: GRCh38 VCF-style: chrX-101837576-T-C. GRCh37 (hg19) VCF-style: chrX-101092548-T-C.
Identifiers: ClinVar variation 2895076 (VCV002895076.3), dbSNP rs145904413, ClinGen allele CA10474482.